The following is an entry in ClinVar:

NM_000388.4(CASR):c.1759dup (p.Asp587fs)

Gene: CASR (calcium sensing receptor; plus strand). Cytogenetic location: 3q21.1.
Variant type: Duplication.
Coding change: c.1759dup on transcript NM_000388.4 (MANE Select); coding-DNA position 1759, one base duplicated (G; older notation c.1759dupG).
Protein change: p.Asp587fs; shifts the reading frame from aspartic acid 587.
Molecular consequence: frameshift variant.
Genome position (GRCh38, 1-based): chr3:122,283,713, G duplicated. VCF-style (leftmost placement, unchanged base first): chr3-122283712-A-AG. GRCh37 (hg19) VCF-style: chr3-122002559-A-AG.
Other names: c.1789dup, p.Asp597fs (NM_001178065.2); short protein forms D587fs, D597fs.
Identifiers: ClinVar variation 1373420 (VCV001373420.6), dbSNP rs2107649366, ClinGen allele CA2573136445.

ClinVar aggregate classification (germline): Pathogenic (1 of 4 stars; one submission).

Conditions:
Familial hypocalciuric hypercalcemia (FHH). Also called: Familial benign hypercalcemia. Identifiers: Orphanet 405, MedGen C1809471, MONDO:0018458.
Autosomal dominant hypocalcemia 1 (HYPOC1). Also called: HYPOCALCEMIA, FAMILIAL. Identifiers: MedGen C3715128, MONDO:0011013, OMIM 601198.

Submission:

Labcorp Genetics (formerly Invitae), Labcorp
Classification: Pathogenic for Familial hypocalciuric hypercalcemia; Autosomal dominant hypocalcemia 1. Last evaluated: 2024-09-18. Review status: criteria provided, single submitter. Criteria: Invitae Variant Classification Sherloc (09022015). Collection method: clinical testing. Allele origin: germline.
Comment: This sequence change creates a premature translational stop signal (p.Asp587Glyfs*2) in the CASR gene. While this is not anticipated to result in nonsense mediated decay, it is expected to disrupt the last 492 amino acid(s) of the CASR protein. This variant is not present in population databases (gnomAD no frequency). This variant has not been reported in the literature in individuals affected with CASR-related conditions. ClinVar contains an entry for this variant (Variation ID: 1373420). This variant disrupts a region of the CASR protein in which other variant(s) (p.Lys882fs) have been determined to be pathogenic (PMID: 7717399, 9109436, 9217223, 20374733). This suggests that this is a clinically significant region of the protein, and that variants that disrupt it are likely to be disease-causing. For these reasons, this variant has been classified as Pathogenic.

Literature cited by the submitters: PubMed 7717399; PubMed 9109436; PubMed 9217223; PubMed 20374733.